The following is an entry in ClinVar:

ClinVar aggregate classification (germline): Uncertain significance (1 of 4 stars; one submission).

Conditions:
Cardiovascular phenotype. Identifiers: MedGen CN230736.
Hereditary cancer-predisposing syndrome. Also called: Tumor predisposition; Hereditary neoplastic syndrome; Neoplastic Syndromes, Hereditary; Hereditary Cancer Syndrome. Identifiers: Orphanet 140162, MedGen C0027672, MeSH D009386, MONDO:0015356.

Submission:

Ambry Genetics
Classification: Uncertain significance for Cardiovascular phenotype; Hereditary cancer-predisposing syndrome. Last evaluated: 2025-03-22. Review status: criteria provided, single submitter. Criteria: Ambry Variant Classification Scheme 2023. Collection method: clinical testing. Allele origin: germline.
Comment: The p.S2494R variant (also known as c.7482T>A), located in coding exon 50 of the NF1 gene, results from a T to A substitution at nucleotide position 7482. The serine at codon 2494 is replaced by arginine, an amino acid with dissimilar properties. This amino acid position is conserved. In addition, the in silico prediction for this alteration is inconclusive. Based on the available evidence, the clinical significance of this variant remains unclear.

NM_001042492.3(NF1):c.7545T>A (p.Ser2515Arg)

Gene: NF1 (neurofibromin 1; plus strand). Cytogenetic location: 17q11.2.
Variant type: single nucleotide variant.
Coding change: c.7545T>A on transcript NM_001042492.3 (MANE Select); coding-DNA position 7545, T replaced by A.
Protein change: p.Ser2515Arg; replaces serine 2515 with arginine.
Molecular consequence: missense variant.
Genome position (GRCh38, 1-based): chr17:31,352,344, T>A. VCF-style: chr17-31352344-T-A. GRCh37 (hg19) VCF-style: chr17-29679362-T-A.
Other names: c.7482T>A, p.Ser2494Arg (NM_000267.4); short protein forms S2494R, S2515R.
Identifiers: ClinVar variation 4015294 (VCV004015294.1).